The following is an entry in ClinVar:

ClinVar aggregate classification (germline): Uncertain significance (1 of 4 stars; one submission).

Conditions:
Hypertrophic cardiomyopathy 14. Identifiers: MedGen C2750467, MONDO:0013197, OMIM 613251.

Submission:

Labcorp Genetics (formerly Invitae), Labcorp
Classification: Uncertain significance for Hypertrophic cardiomyopathy 14. Last evaluated: 2021-04-18. Review status: criteria provided, single submitter. Criteria: Invitae Variant Classification Sherloc (09022015). Collection method: clinical testing. Allele origin: germline.
Comment: In summary, the available evidence is currently insufficient to determine the role of this variant in disease. Therefore, it has been classified as a Variant of Uncertain Significance. Algorithms developed to predict the effect of missense changes on protein structure and function are either unavailable or do not agree on the potential impact of this missense change (SIFT: "Deleterious"; PolyPhen-2: "Probably Damaging"; Align-GVGD: "Class C0"). This variant has not been reported in the literature in individuals with MYH6-related conditions. This variant is not present in population databases (ExAC no frequency). This sequence change replaces lysine with asparagine at codon 1136 of the MYH6 protein (p.Lys1136Asn). The lysine residue is weakly conserved and there is a moderate physicochemical difference between lysine and asparagine.

NM_002471.4(MYH6):c.3408G>T (p.Lys1136Asn)

Gene: MYH6 (myosin heavy chain 6; minus strand). Cytogenetic location: 14q11.2.
Variant type: single nucleotide variant.
Coding change: c.3408G>T on transcript NM_002471.4 (MANE Select); coding-DNA position 3408, G replaced by T.
Protein change: p.Lys1136Asn; replaces lysine 1136 with asparagine.
Molecular consequence: missense variant.
Genome position (GRCh38, 1-based): chr14:23,390,381, C>A on the plus strand (G>T on the coding strand, the complement: MYH6 is on the minus strand). VCF-style: chr14-23390381-C-A. GRCh37 (hg19) VCF-style: chr14-23859590-C-A.
Other names: short protein forms K1136N.
Identifiers: ClinVar variation 1498983 (VCV001498983.8), dbSNP rs28730770, ClinGen allele CA389006512.